The following is an entry in ClinVar:

NM_006531.5(IFT88):c.2402C>T (p.Thr801Ile)

Gene: IFT88 (intraflagellar transport 88; plus strand). Cytogenetic location: 13q12.11.
Variant type: single nucleotide variant.
Coding change: c.2402C>T on transcript NM_006531.5 (MANE Select); coding-DNA position 2402, C replaced by T.
Protein change: p.Thr801Ile; replaces threonine 801 with isoleucine.
Molecular consequence: missense variant. On other transcripts: 3 prime UTR variant (1), non-coding transcript variant (5).
Genome position (GRCh38, 1-based): chr13:20,691,102, C>T. VCF-style: chr13-20691102-C-T. GRCh37 (hg19) VCF-style: chr13-21265241-C-T.
Other names: c.2345C>T, p.Thr782Ile (NM_001318491.2); c.2429C>T, p.Thr810Ile (NM_001318493.2, NM_001353565.2, NM_001353566.2 and 2 more transcripts); c.2402C>T, p.Thr801Ile (NM_001353568.2); c.2327C>T, p.Thr776Ile (NM_001353569.2, NM_001353570.2); c.2300C>T, p.Thr767Ile (NM_001353571.2); c.2291C>T, p.Thr764Ile (NM_001353572.2); c.2258C>T, p.Thr753Ile (NM_001353573.2); c.2243C>T, p.Thr748Ile (NM_001353574.2); and 4 more; short protein forms T767I, T801I, T810I, T730I, T739I, T748I, T590I, T753I.
Identifiers: ClinVar variation 1931207 (VCV001931207.5), dbSNP rs2058428541, ClinGen allele CA387475633.

ClinVar aggregate classification (germline): Uncertain significance (1 of 4 stars; one submission).

Allele frequency attached by ClinVar (database versions not stated): gnomAD exomes below 0.00001; TOPMed 0.00001.
gnomAD v4.1: 2 of 1,613,960 alleles (0.00012%); highest among the groups gnomAD compares: African/African-American, 0.0027%; no homozygotes.

Submission:

Labcorp Genetics (formerly Invitae), Labcorp
Classification: Uncertain significance. Last evaluated: 2023-02-18. Review status: criteria provided, single submitter. Criteria: Invitae Variant Classification Sherloc (09022015). Collection method: clinical testing. Allele origin: germline.
Comment: In summary, the available evidence is currently insufficient to determine the role of this variant in disease. Therefore, it has been classified as a Variant of Uncertain Significance. An algorithm developed to predict the effect of missense changes on protein structure and function (PolyPhen-2) suggests that this variant is likely to be disruptive. This variant has not been reported in the literature in individuals affected with IFT88-related conditions. This variant is not present in population databases (gnomAD no frequency). This sequence change replaces threonine, which is neutral and polar, with isoleucine, which is neutral and non-polar, at codon 810 of the IFT88 protein (p.Thr810Ile).